The following is an entry in ClinVar:

NM_002070.4(GNAI2):c.545C>T (p.Thr182Ile)

Gene: GNAI2 (G protein subunit alpha i2; plus strand). Cytogenetic location: 3p21.31.
Variant type: single nucleotide variant.
Coding change: c.545C>T on transcript NM_002070.4 (MANE Select); coding-DNA position 545, C replaced by T.
Protein change: p.Thr182Ile; replaces threonine 182 with isoleucine.
Molecular consequence: missense variant.
Genome position (GRCh38, 1-based): chr3:50,256,272, C>T. VCF-style: chr3-50256272-C-T. GRCh37 (hg19) VCF-style: chr3-50293704-C-T.
Other names: c.434C>T, p.Thr145Ile (NM_001166425.2); c.389C>T, p.Thr130Ile (NM_001282617.2); c.302C>T, p.Thr101Ile (NM_001282618.2); c.497C>T, p.Thr166Ile (NM_001282619.2, NM_001282620.2); short protein forms T101I, T130I, T145I, T166I, T182I.
Identifiers: ClinVar variation 4278646 (VCV004278646.3).
Genomic context (GRCh38, chr3:50,256,272, plus strand): 5'-GTATTGCACAGAGTGACTACATCCCCACACAGCAAGATGTGCTACGGACCCGCGTAAAGA[C>T]CACGGGGATCGTGGAGACACACTTCACCTTCAAGGACCTACACTTCAAGTGAGCGAGCAT-3'
Protein context (NP_002061.1, residues 172-192): QQDVLRTRVK[Thr182Ile]TGIVETHFTF

ClinVar aggregate classification (germline): Pathogenic. Review status: criteria provided, multiple submitters, no conflicts (2 of 4 stars). 3 submissions from 3 submitters: Pathogenic (2). 1 of the submissions does not count toward it. Last evaluated 2026-05-25.

Conditions:
MAGIS SYNDROME (MAGIS). Identifiers: MedGen CN382444, OMIM 621707.
Syndromic disease. Identifiers: MedGen C0039082, MONDO:0002254.

Submissions (3):

Victorian Clinical Genetics Services, Murdoch Childrens Research Institute
Classification: Pathogenic for Syndromic disease. Last evaluated: 2026-05-25. Review status: criteria provided, single submitter. Criteria: ACMG Guidelines, 2015. Collection method: clinical testing. Allele origin: germline. Affected: yes.
Comment: This variant is classified as Pathogenic. Evidence in support of pathogenic classification: Variant is absent from gnomAD (v2, v3 and v4); This variant has moderate previous evidence of pathogenicity in unrelated individuals. It has been reported in individuals with syndromic disease, including one de novo occurrence (PMIDs: 39298586, 40926810); This variant has moderate functional evidence supporting abnormal protein function. This variant has been shown to result in faster GTP binding and decreased GTPase activity, therefore prolonging Gai2 activity (PMID: 39298586); Other missense variant(s) comparable to the one identified in this case have strong previous evidence for pathogenicity. p.(Thr182Pro) has been classified as likely pathogenic by a clinical laboratory (ClinVar). In addition, p.(Thr182Pro) and p.(Thr182Ala) have been reported as de novo in individuals with syndromic disease (PMID: 39298586); Missense variant in a region that is highly intolerant to missense variation (high constraint region in DECIPHER); Missense variant predicted to be damaging by in silico tool(s) or highly conserved with a major amino acid change; Additional information: Variant is predicted to result in a missense amino acid change from Thr to Ile; This variant is heterozygous; This gene is associated with autosomal dominant disease; Gain of function is a known mechanism of disease in this gene and is associated with syndromic disease (MONDO:0002254), GNAI2-related; Variants in this gene are known to have variable expressivity. Considerable phenotypic heterogeneity with inter- and intra-familial variability has been reported (PMID: 40926810).

GeneDx
Classification: Pathogenic. Last evaluated: 2025-03-18. Review status: criteria provided, single submitter. Criteria: GeneDx Variant Classification Process June 2021. Collection method: clinical testing. Allele origin: germline. Affected: yes.
Comment: Published functional studies suggest impaired protein function (PMID: 39298586); Not observed at significant frequency in large population cohorts (gnomAD); In silico analysis supports that this missense variant has a deleterious effect on protein structure/function; This variant is associated with the following publications: (PMID: 35708139, 39298586)

OMIM
Classification: Pathogenic for MAGIS SYNDROME. Last evaluated: 2026-10-06. Review status: no assertion criteria provided. Collection method: literature only. Allele origin: germline. Not counted in ClinVar's aggregate classification.

Literature cited by the submitters: PubMed 39298586 (cited by Victorian Clinical Genetics Services, Murdoch Childrens Research Institute and OMIM); PubMed 40926810 (cited by Victorian Clinical Genetics Services, Murdoch Childrens Research Institute).